The following is an entry in ClinVar:

NM_000038.6(APC):c.4228T>A (p.Cys1410Ser)

Gene: APC (APC regulator of Wnt signaling pathway; plus strand). Cytogenetic location: 5q22.2.
Variant type: single nucleotide variant.
Coding change: c.4228T>A on transcript NM_000038.6 (MANE Select); coding-DNA position 4228, T replaced by A.
Protein change: p.Cys1410Ser; replaces cysteine 1410 with serine.
Molecular consequence: missense variant.
Genome position (GRCh38, 1-based): chr5:112,839,822, T>A. VCF-style: chr5-112839822-T-A. GRCh37 (hg19) VCF-style: chr5-112175519-T-A.
Other names: c.4228T>A, p.Cys1410Ser (NM_001127510.3, NM_001354895.2, NM_001407450.1); c.4174T>A, p.Cys1392Ser (NM_001127511.3); c.4282T>A, p.Cys1428Ser (NM_001354896.2, NM_001407447.1, NM_001407448.1 and 1 more transcripts); c.4258T>A, p.Cys1420Ser (NM_001354897.2); c.4153T>A, p.Cys1385Ser (NM_001354898.2); c.4144T>A, p.Cys1382Ser (NM_001354899.2); c.4105T>A, p.Cys1369Ser (NM_001354900.2); c.4051T>A, p.Cys1351Ser (NM_001354901.2, NM_001407453.1); and 11 more; short protein forms C1327S, C1392S, C1026S, C1369S, C1382S, C1403S, C1410S, C1127S.
Identifiers: ClinVar variation 1738872 (VCV001738872.3), dbSNP rs1561590765, ClinGen allele CA16030593.

ClinVar aggregate classification (germline): Uncertain significance (1 of 4 stars; one submission).

Conditions:
Hereditary cancer-predisposing syndrome. Also called: Tumor predisposition; Hereditary Cancer Syndrome; Hereditary neoplastic syndrome; Neoplastic Syndromes, Hereditary. Identifiers: Orphanet 140162, MedGen C0027672, MeSH D009386, MONDO:0015356.

Submission:

Ambry Genetics
Classification: Uncertain significance for Hereditary cancer-predisposing syndrome. Last evaluated: 2025-12-15. Review status: criteria provided, single submitter. Criteria: Ambry Variant Classification Scheme 2023. Collection method: clinical testing. Allele origin: germline.
Comment: The p.C1410S variant (also known as c.4228T>A), located in coding exon 15 of the APC gene, results from a T to A substitution at nucleotide position 4228. The cysteine at codon 1410 is replaced by serine, an amino acid with dissimilar properties. This amino acid position is conserved. In addition, in silico predictors for this gene do not accurately predict pathogenicity. Since supporting evidence is limited at this time, the clinical significance of this alteration remains unclear.